The following is an entry in ClinVar:

NM_000238.4(KCNH2):c.2291C>G (p.Pro764Arg)

Gene: KCNH2 (potassium voltage-gated channel subfamily H member 2; minus strand). Cytogenetic location: 7q36.1.
Variant type: single nucleotide variant.
Coding change: c.2291C>G on transcript NM_000238.4 (MANE Select); coding-DNA position 2291, C replaced by G.
Protein change: p.Pro764Arg; replaces proline 764 with arginine.
Molecular consequence: missense variant.
Genome position (GRCh38, 1-based): chr7:150,950,275, G>C on the plus strand (C>G on the coding strand, the complement: KCNH2 is on the minus strand). VCF-style: chr7-150950275-G-C. GRCh37 (hg19) VCF-style: chr7-150647363-G-C.
Other names: c.1271C>G, p.Pro424Arg (NM_001204798.2, NM_172057.3); c.2003C>G, p.Pro668Arg (NM_001406753.1, NM_001406756.1); c.2114C>G, p.Pro705Arg (NM_001406755.1); c.1991C>G, p.Pro664Arg (NM_001406757.1); c.2291C>G, p.Pro764Arg (NM_172056.3); short protein forms P764R, P424R, P664R, P668R, P705R.
Identifiers: ClinVar variation 955346 (VCV000955346.10), dbSNP rs878853773, ClinGen allele CA369856266.
Genomic context (GRCh38, chr7:150,950,275, plus strand): 5'-CGGGAGATGAAGTACAGGGCGGTGAGCAGGTCCCCAGCATGCACCAGTGTGTCCCCTGGC[G>C]GTGCATGTGTGGTCTTGAACTTCATGGCCAGGGCCCGAAGGCAGCCCTTGGTGGCCCCTC-3'
Protein context (NP_000229.1, residues 754-774): LAMKFKTTHA[Pro764Arg]PGDTLVHAGD

ClinVar aggregate classification (germline): Uncertain significance (1 of 4 stars; one submission).

Conditions:
Long QT syndrome (LQTS). Identifiers: MedGen C0023976, MeSH D008133, MONDO:0002442. Disease mechanism: loss of function. Inheritance: Various modes of inheritance.

Submission:

Labcorp Genetics (formerly Invitae), Labcorp
Classification: Uncertain significance for Long QT syndrome. Last evaluated: 2019-09-19. Review status: criteria provided, single submitter. Criteria: Invitae Variant Classification Sherloc (09022015). Collection method: clinical testing. Allele origin: germline.
Comment: In summary, the available evidence is currently insufficient to determine the role of this variant in disease. Therefore, it has been classified as a Variant of Uncertain Significance. Algorithms developed to predict the effect of missense changes on protein structure and function are either unavailable or do not agree on the potential impact of this missense change (SIFT: "Deleterious"; PolyPhen-2: "Probably Damaging"; Align-GVGD: "Class C0"). This variant has not been reported in the literature in individuals with KCNH2-related conditions. This variant is not present in population databases (ExAC no frequency). This sequence change replaces proline with arginine at codon 764 of the KCNH2 protein (p.Pro764Arg). The proline residue is highly conserved and there is a moderate physicochemical difference between proline and arginine.